The following is an entry in ClinVar:

NM_004706.4(ARHGEF1):c.2477C>T (p.Thr826Met)

Gene: ARHGEF1 (Rho guanine nucleotide exchange factor 1; plus strand). Cytogenetic location: 19q13.2.
Variant type: single nucleotide variant.
Coding change: c.2477C>T on transcript NM_004706.4 (MANE Select); coding-DNA position 2477, C replaced by T.
Protein change: p.Thr826Met; replaces threonine 826 with methionine.
Molecular consequence: missense variant. On other transcripts: non-coding transcript variant (2).
Genome position (GRCh38, 1-based): chr19:41,906,011, C>T. VCF-style: chr19-41906011-C-T. GRCh37 (hg19) VCF-style: chr19-42410163-C-T.
Other names: c.2645C>T, p.Thr882Met (NM_001396000.1); c.2378C>T, p.Thr793Met (NM_001396002.1, NM_001396004.1, NM_198977.2); c.2477C>T, p.Thr826Met (NM_001396003.1, NM_001396006.1); c.2522C>T, p.Thr841Met (NM_199002.2); short protein forms T841M, T793M, T882M, T826M.
Identifiers: ClinVar variation 2186844 (VCV002186844.4), dbSNP rs782140321, ClinGen allele CA9466736.

ClinVar aggregate classification (germline): Uncertain significance (1 of 4 stars; one submission).

Allele frequency attached by ClinVar (database versions not stated): ExAC 0.00001; gnomAD exomes 0.00001; TOPMed 0.00001; gnomAD 0.00002.
gnomAD v4.1: 24 of 1,613,860 alleles (0.0015%); highest among the groups gnomAD compares: Middle Eastern, 0.016%; no homozygotes.

Submission:

Labcorp Genetics (formerly Invitae), Labcorp
Classification: Uncertain significance. Last evaluated: 2025-05-27. Review status: criteria provided, single submitter. Criteria: Invitae Variant Classification Sherloc (09022015). Collection method: clinical testing. Allele origin: germline.
Comment: This sequence change replaces threonine, which is neutral and polar, with methionine, which is neutral and non-polar, at codon 841 of the ARHGEF1 protein (p.Thr841Met). This variant is present in population databases (rs782140321, gnomAD 0.005%). This variant has not been reported in the literature in individuals affected with ARHGEF1-related conditions. ClinVar contains an entry for this variant (Variation ID: 2186844). An algorithm developed to predict the effect of missense changes on protein structure and function (PolyPhen-2) suggests that this variant is likely to be tolerated. In summary, the available evidence is currently insufficient to determine the role of this variant in disease. Therefore, it has been classified as a Variant of Uncertain Significance.